The following is an entry in ClinVar:

NM_000045.4(ARG1):c.746T>C (p.Val249Ala)

Genes: ARG1 (arginase 1; plus strand), MED23 (mediator complex subunit 23; minus strand). Cytogenetic location: 6q23.2.
Variant type: single nucleotide variant.
Coding change: c.746T>C on transcript NM_000045.4 (MANE Select); coding-DNA position 746, T replaced by C.
Protein change: p.Val249Ala; replaces valine 249 with alanine.
Molecular consequence: missense variant. On other transcripts: non-coding transcript variant (1), intron variant (2).
Genome position (GRCh38, 1-based): chr6:131,583,435, T>C. VCF-style: chr6-131583435-T-C. GRCh37 (hg19) VCF-style: chr6-131904575-T-C.
Other names: c.4077+4274A>G (NM_001270521.2); c.4095+4274A>G (NM_015979.4); c.770T>C, p.Val257Ala (NM_001244438.2); c.491T>C, p.Val164Ala (NM_001369020.1); short protein forms V249A, V257A, V164A.
Identifiers: ClinVar variation 958983 (VCV000958983.11), dbSNP rs755779260, ClinGen allele CA3999360.
Genomic context (GRCh38, chr6:131,583,435, plus strand): 5'-TAAGTTTTGATGTTGACGGACTGGACCCATCTTTCACACCAGCTACTGGCACACCAGTCG[T>C]GGGAGGTCTGACATACAGAGAAGGTCTCTACATCACAGAAGAAATCTACAAAACAGGTAG-3'
Protein context (NP_000036.2, residues 239-259): SFTPATGTPV[Val249Ala]GGLTYREGLY

ClinVar aggregate classification (germline): Uncertain significance. Review status: criteria provided, multiple submitters, no conflicts (2 of 4 stars). 2 submissions from 2 submitters: Uncertain significance (2). Last evaluated 2022-07-15.

Conditions:
Arginase deficiency. Also called: Arginase 1 Deficiency; ARGININEMIA; ARG1 DEFICIENCY. Identifiers: Orphanet 90, MedGen C0268548, MONDO:0008814, OMIM 207800.

Allele frequency attached by ClinVar (database versions not stated): gnomAD exomes 0.00001 and below 0.00001; gnomAD 0.00007; TOPMed 0.00007; ExAC 0.00001.
gnomAD v4.1: 15 of 1,613,984 alleles (0.00093%); highest among the groups gnomAD compares: African/African-American, 0.019%; no homozygotes.

Submissions (2):

Labcorp Genetics (formerly Invitae), Labcorp
Classification: Uncertain significance for Arginase deficiency. Last evaluated: 2022-07-15. Review status: criteria provided, single submitter. Criteria: Invitae Variant Classification Sherloc (09022015). Collection method: clinical testing. Allele origin: germline.
Comment: This sequence change replaces valine, which is neutral and non-polar, with alanine, which is neutral and non-polar, at codon 249 of the ARG1 protein (p.Val249Ala). This variant is present in population databases (rs755779260, gnomAD 0.02%). This variant has not been reported in the literature in individuals affected with ARG1-related conditions. ClinVar contains an entry for this variant (Variation ID: 958983). Algorithms developed to predict the effect of missense changes on protein structure and function (SIFT, PolyPhen-2, Align-GVGD) all suggest that this variant is likely to be tolerated. In summary, the available evidence is currently insufficient to determine the role of this variant in disease. Therefore, it has been classified as a Variant of Uncertain Significance.

Revvity Omics, Revvity
Classification: Uncertain significance for Arginase deficiency. Last evaluated: 2020-08-30. Review status: criteria provided, single submitter. Criteria: ACMG Guidelines, 2015. Collection method: clinical testing. Allele origin: germline.